The following is an entry in ClinVar:

NM_001378609.3(OTOGL):c.5158T>A (p.Ser1720Thr)

Gene: OTOGL (otogelin like; plus strand). Cytogenetic location: 12q21.31.
Variant type: single nucleotide variant.
Coding change: c.5158T>A on transcript NM_001378609.3 (MANE Select); coding-DNA position 5158, T replaced by A.
Protein change: p.Ser1720Thr; replaces serine 1720 with threonine.
Molecular consequence: missense variant.
Genome position (GRCh38, 1-based): chr12:80,342,055, T>A. VCF-style: chr12-80342055-T-A. GRCh37 (hg19) VCF-style: chr12-80735835-T-A.
Other names: c.5023T>A, p.Ser1675Thr (NM_001368062.3); c.5158T>A, p.Ser1720Thr (NM_001378610.3, NM_173591.7); short protein forms S1675T, S1720T.
Identifiers: ClinVar variation 4980822 (VCV004980822.1).

ClinVar aggregate classification (germline): Uncertain significance (1 of 4 stars; one submission).

Conditions:
OTOGL-related disorder. Also called: OTOGL-related condition.

gnomAD v4.1: 45 of 1,607,662 alleles (0.0028%); highest among the groups gnomAD compares: Non-Finnish European, 0.0035%; no homozygotes.

Submission:

PreventionGenetics, part of Exact Sciences
Classification: Uncertain significance for OTOGL-related condition. Last evaluated: 2026-07-28. Review status: criteria provided, single submitter. Criteria: ACMG Guidelines, 2015. Collection method: clinical testing. Allele origin: germline.
Comment: The OTOGL c.5131T>A variant is predicted to result in the amino acid substitution p.Ser1711Thr. To our knowledge, this variant has not been reported in the literature. This variant is reported in 0.0047% of alleles in individuals of European (Non-Finnish) descent in gnomAD. At this time, the clinical significance of this variant is uncertain due to the absence of conclusive functional and genetic evidence.